The following is an entry in ClinVar:

NM_001371986.1(UNC80):c.5275A>G (p.Met1759Val)

Genes: UNC80 (unc-80 subunit of NALCN channel complex; plus strand), LOC126806490 (P300/CBP strongly-dependent group 1 enhancer GRCh37_chr2:210782411-210783610; plus strand). Cytogenetic location: 2q34.
Variant type: single nucleotide variant.
Coding change: c.5275A>G on transcript NM_001371986.1 (MANE Select); coding-DNA position 5275, A replaced by G.
Protein change: p.Met1759Val; replaces methionine 1759 with valine.
Molecular consequence: missense variant.
Genome position (GRCh38, 1-based): chr2:209,918,595, A>G. VCF-style: chr2-209918595-A-G. GRCh37 (hg19) VCF-style: chr2-210783319-A-G.
Other names: c.5077A>G (NM_032504.1); c.5077A>G, p.Met1693Val (NM_032504.2); c.5062A>G, p.Met1688Val (NM_182587.4); short protein forms M1693V, M1759V, M1688V.
Identifiers: ClinVar variation 1911417 (VCV001911417.8), dbSNP rs539851730, ClinGen allele CA2083274.

ClinVar aggregate classification (germline): Uncertain significance. Review status: criteria provided, multiple submitters, no conflicts (2 of 4 stars). 2 submissions from 2 submitters: Uncertain significance (2). Last evaluated 2023-07-17.

Conditions:
Hypotonia, infantile, with psychomotor retardation and characteristic facies 2 (IHPRF2). Also called: UNC80 Deficiency. Identifiers: Orphanet 371364, Orphanet 700333, MedGen C4225203, MONDO:0014777, OMIM 616801.

Allele frequency attached by ClinVar (database versions not stated): gnomAD exomes 0.00001; gnomAD 0.00003; ExAC 0.00009; 1000 Genomes Project 30x 0.00031; 1000 Genomes Project 0.00040.

Submissions (2):

Labcorp Genetics (formerly Invitae), Labcorp
Classification: Uncertain significance. Last evaluated: 2023-07-17. Review status: criteria provided, single submitter. Criteria: Invitae Variant Classification Sherloc (09022015). Collection method: clinical testing. Allele origin: germline.
Comment: This sequence change replaces methionine, which is neutral and non-polar, with valine, which is neutral and non-polar, at codon 1693 of the UNC80 protein (p.Met1693Val). This variant is present in population databases (rs539851730, gnomAD 0.008%). This variant has not been reported in the literature in individuals affected with UNC80-related conditions. ClinVar contains an entry for this variant (Variation ID: 1911417). Advanced modeling of protein sequence and biophysical properties (such as structural, functional, and spatial information, amino acid conservation, physicochemical variation, residue mobility, and thermodynamic stability) performed at Invitae indicates that this missense variant is not expected to disrupt UNC80 protein function. In summary, the available evidence is currently insufficient to determine the role of this variant in disease. Therefore, it has been classified as a Variant of Uncertain Significance.

Revvity Omics, Revvity
Classification: Uncertain significance for Hypotonia, infantile, with psychomotor retardation and characteristic facies 2. Last evaluated: 2020-03-24. Review status: criteria provided, single submitter. Criteria: ACMG Guidelines, 2015. Collection method: clinical testing. Allele origin: germline.